The following is an entry in ClinVar:

ClinVar aggregate classification (germline): Likely pathogenic (1 of 4 stars; one submission).

Submission:

GeneDx
Classification: Likely pathogenic. Last evaluated: 2018-03-16. Review status: criteria provided, single submitter. Criteria: GeneDx Variant Classification (06012015). Collection method: clinical testing. Allele origin: germline. Affected: yes.
Comment: The c.978_996dup19 variant in the FOXC2 gene has not been reported previously as a pathogenic variant nor as a benign variant, to our knowledge. The c.978_996dup19 variant causes a frameshift starting with codon Methionine 333, changes this amino acid to an Arginine residue, and creates a premature Stop codon at position 136 of the new reading frame, denoted p.Met333ArgfsX136. This variant is predicted to cause loss of normal protein function through protein truncation. The c.978_996dup19 variant is not observed in large population cohorts (Lek et al., 2016). We interpret c.978_996dup19 as a likely pathogenic variant.

NM_005251.3(FOXC2):c.978_996dup (p.Met333fs)

Gene: FOXC2 (forkhead box C2; plus strand). Cytogenetic location: 16q24.1.
Variant type: Duplication.
Coding change: c.978_996dup on transcript NM_005251.3 (MANE Select); coding-DNA positions 978 to 996, 19 bases duplicated (CGGGGGCTACCAGTGCAGC).
Protein change: p.Met333fs; shifts the reading frame from methionine 333.
Molecular consequence: frameshift variant.
Genome position (GRCh38, 1-based): chr16:86,568,313-86,568,331, CGGGGGCTACCAGTGCAGC duplicated; duplicating any 19 consecutive bases within chr16:86,568,311-86,568,331 gives the same sequence; the c. name uses the placement nearest the transcript's 3' end. VCF-style (leftmost placement, unchanged base first): chr16-86568310-C-CGCCGGGGGCTACCAGTGCA. GRCh37 (hg19) VCF-style: chr16-86601916-C-CGCCGGGGGCTACCAGTGCA.
Other names: short protein forms M333fs.
Identifiers: ClinVar variation 524011 (VCV000524011.2), dbSNP rs1555531387, ClinGen allele CA658798646.
Genomic context (GRCh38, chr16:86,568,310, plus strand): 5'-CGCCGCCGCGCCGCCCGCCGCCTACGGCCAGCCGTGCGCTCAGGGCCTGGAGGCCGGGGC[C>CGCCGGGGGCTACCAGTGCA]GCCGGGGGCTACCAGTGCAGCATGCGAGCGATGAGCCTGTACACCGGGGCCGAGCGGCCG-3'